The following is an entry in ClinVar:

NM_001376.5(DYNC1H1):c.657G>A (p.Gln219=)

Gene: DYNC1H1 (dynein cytoplasmic 1 heavy chain 1; plus strand). Cytogenetic location: 14q32.31.
Variant type: single nucleotide variant.
Coding change: c.657G>A on transcript NM_001376.5 (MANE Select); coding-DNA position 657, G replaced by A.
Protein change: p.Gln219=; no amino-acid change (glutamine 219 retained).
Molecular consequence: synonymous variant.
Genome position (GRCh38, 1-based): chr14:101,979,857, G>A. VCF-style: chr14-101979857-G-A. GRCh37 (hg19) VCF-style: chr14-102446194-G-A.
Identifiers: ClinVar variation 415334 (VCV000415334.22), dbSNP rs374440380, ClinGen allele CA7351560.
Genomic context (GRCh38, chr14:101,979,857, plus strand): 5'-TATTGAAATTCCGGAGATCAGCCTGCCGATTCATCCAATGATCACAAATGTTGCAAAACA[G>A]TGTTATGAGCGTGGAGAAAAGCCAAAAGTTACAGACTTTGGTGATAAGGTTGAAGACCCA-3'
Protein context (NP_001367.2, residues 209-229): IHPMITNVAK[Gln219=]CYERGEKPKV

ClinVar aggregate classification (germline): Likely benign. Review status: criteria provided, multiple submitters, no conflicts (2 of 4 stars). 4 submissions from 4 submitters: Likely benign (3). 1 of the submissions does not count toward it. Last evaluated 2025-08-10.

Conditions:
DYNC1H1-related disorder. Also called: DYNC1H1-related condition; DYNC1H1-related disorders. Identifiers: MedGen CN381529.
Inborn genetic diseases. Identifiers: MedGen C0950123, MeSH D030342.
Charcot-Marie-Tooth disease axonal type 2O. Also called: CHARCOT-MARIE-TOOTH NEUROPATHY, AXONAL, TYPE 2O; CHARCOT-MARIE-TOOTH DISEASE, AXONAL, AUTOSOMAL DOMINANT, TYPE 2O; Charcot-Marie-Tooth Neuropathy Type 2O; Charcot-Marie-Tooth disease, axonal, type 20. Identifiers: Orphanet 284232, MedGen C3280220, MONDO:0013644, OMIM 614228.

Allele frequency attached by ClinVar (database versions not stated): gnomAD exomes 0.00002 and 0.00006; ExAC 0.00003; gnomAD 0.00011; 1000 Genomes Project 30x 0.00016; TOPMed 0.00017; 1000 Genomes Project 0.00020; ESP Exome Variant Server 0.00023.
gnomAD v4.1: 53 of 1,614,222 alleles (0.0033%); highest among the groups gnomAD compares: African/African-American, 0.065%; no homozygotes.

Submissions (4):

Labcorp Genetics (formerly Invitae), Labcorp
Classification: Likely benign for Charcot-Marie-Tooth disease axonal type 2O. Last evaluated: 2025-08-10. Review status: criteria provided, single submitter. Criteria: Invitae Variant Classification Sherloc (09022015). Collection method: clinical testing. Allele origin: germline.

ARUP Laboratories, Molecular Genetics and Genomics, ARUP Laboratories
Classification: Likely benign. Last evaluated: 2018-02-15. Review status: criteria provided, single submitter. Criteria: ARUP Molecular Germline Variant Investigation Process. Collection method: clinical testing. Allele origin: germline.
Comment: The c.657G>A variant (rs374440380) does not alter the amino acid sequence of the DYNC1H1 protein and computational splice site prediction algorithms do not predict a change in the nearest splice site or creation of a cryptic splice site. This variant has not been reported in association with CMT in medical literature or in gene specific variation databases, and is classified as likely benign in ClinVar (ID: 415334). This variant is listed in the genome Aggregation Database (gnomAD) with an overall population frequency of 0.008% (identified on 22 out of 277,216 chromosomes). Based on the available information, the c.657G>A variant is likely to be benign.

Ambry Genetics
Classification: Likely benign for Inborn genetic diseases. Last evaluated: 2017-12-04. Review status: criteria provided, single submitter. Criteria: Ambry Variant Classification Scheme 2023. Collection method: clinical testing. Allele origin: germline.

PreventionGenetics, part of Exact Sciences
Classification: Likely benign for DYNC1H1-related condition. Last evaluated: 2024-02-02. Review status: no assertion criteria provided. Collection method: clinical testing. Allele origin: germline. Not counted in ClinVar's aggregate classification.
Comment: This variant is classified as likely benign based on ACMG/AMP sequence variant interpretation guidelines (Richards et al. 2015 PMID: 25741868, with internal and published modifications).